The following is an entry in ClinVar:

NM_152564.5(VPS13B):c.3067A>T (p.Thr1023Ser)

Gene: VPS13B (vacuolar protein sorting 13 homolog B; plus strand). Cytogenetic location: 8q22.2.
Variant type: single nucleotide variant.
Coding change: c.3067A>T on transcript NM_152564.5 (MANE Select); coding-DNA position 3067, A replaced by T.
Protein change: p.Thr1023Ser; replaces threonine 1023 with serine.
Molecular consequence: missense variant.
Genome position (GRCh38, 1-based): chr8:99,391,689, A>T. VCF-style: chr8-99391689-A-T. GRCh37 (hg19) VCF-style: chr8-100403917-A-T.
Other names: c.3067A>T, p.Thr1023Ser (NM_017890.5); short protein forms T1023S.
Identifiers: ClinVar variation 950036 (VCV000950036.8), dbSNP rs1814455883, ClinGen allele CA371865850.
Genomic context (GRCh38, chr8:99,391,689, plus strand): 5'-GCCCCCTTGGCAAAGCAGCAATCATATCAGGCCTCTGAATATGCCAGCAGCCCTGTAAAA[A>T]CAAAAACGGTAACAGGTATGTGTCAAGTACTGTAAAGGGACTATGATTGTACTCTACTTC-3'
Protein context (NP_689777.3, residues 1013-1033): ASEYASSPVK[Thr1023Ser]KTVTESRPLS

ClinVar aggregate classification (germline): Uncertain significance (1 of 4 stars; one submission).

Conditions:
Cohen syndrome (COH1). Also called: PEPPER SYNDROME; Cutis verticis gyrata, retinitis pigmentosa, and sensorineural deafness. Identifiers: Orphanet 193, MedGen C0265223, MONDO:0008999, OMIM 216550.

Submission:

Labcorp Genetics (formerly Invitae), Labcorp
Classification: Uncertain significance for Cohen syndrome. Last evaluated: 2019-06-20. Review status: criteria provided, single submitter. Criteria: Invitae Variant Classification Sherloc (09022015). Collection method: clinical testing. Allele origin: germline.
Comment: This sequence change replaces threonine with serine at codon 1023 of the VPS13B protein (p.Thr1023Ser). The threonine residue is moderately conserved and there is a small physicochemical difference between threonine and serine. This variant is not present in population databases (ExAC no frequency). This variant has not been reported in the literature in individuals with VPS13B-related conditions. Algorithms developed to predict the effect of missense changes on protein structure and function are either unavailable or do not agree on the potential impact of this missense change (SIFT: "Tolerated"; PolyPhen-2: "Possibly Damaging"; Align-GVGD: "Class C0"). In summary, the available evidence is currently insufficient to determine the role of this variant in disease. Therefore, it has been classified as a Variant of Uncertain Significance.